The following is an entry in ClinVar:

NM_005422.4(TECTA):c.3398C>G (p.Pro1133Arg)

Genes: TBCEL-TECTA (TBCEL-TECTA readthrough; plus strand), TECTA (tectorin alpha; plus strand). Cytogenetic location: 11q23.3.
Variant type: single nucleotide variant.
Coding change: c.3398C>G on transcript NM_005422.4 (MANE Select); coding-DNA position 3398, C replaced by G.
Protein change: p.Pro1133Arg; replaces proline 1133 with arginine.
Molecular consequence: missense variant.
Genome position (GRCh38, 1-based): chr11:121,137,877, C>G. VCF-style: chr11-121137877-C-G. GRCh37 (hg19) VCF-style: chr11-121008586-C-G.
Other names: c.4355C>G, p.Pro1452Arg (NM_001378761.1); short protein forms P1133R, P1452R.
Identifiers: ClinVar variation 3371036 (VCV003371036.1).

ClinVar aggregate classification (germline): Uncertain significance (1 of 4 stars; one submission).

Submission:

GeneDx
Classification: Uncertain significance. Last evaluated: 2024-03-18. Review status: criteria provided, single submitter. Criteria: GeneDx Variant Classification Process June 2021. Collection method: clinical testing. Allele origin: germline. Affected: yes.
Comment: Not observed at significant frequency in large population cohorts (gnomAD); In silico analysis supports that this missense variant does not alter protein structure/function; Has not been previously published as pathogenic or benign to our knowledge